The following is an entry in ClinVar:

ClinVar aggregate classification (germline): Pathogenic (1 of 4 stars; one submission).

Conditions:
Lynch syndrome 4 (LYNCH4). Also called: Hereditary non-polyposis colorectal cancer, type 4; Colorectal cancer, hereditary nonpolyposis, type 4. Identifiers: Orphanet 144, MedGen C1838333, MONDO:0013699, OMIM 614337. Disease mechanism: loss of function.

Submission:

Myriad Genetics, Inc.
Classification: Pathogenic for Lynch syndrome 4. Last evaluated: 2023-09-22. Review status: criteria provided, single submitter. Criteria: Myriad Autosomal Dominant, Autosomal Recessive and X-Linked Classification Criteria (2023). Collection method: clinical testing. Allele origin: unknown.
Comment: This variant is considered pathogenic. This variant creates a frameshift predicted to result in premature protein truncation.

NM_000535.7(PMS2):c.2331dup (p.Phe778fs)

Gene: PMS2 (PMS1 homolog 2, mismatch repair system component; minus strand). Cytogenetic location: 7p22.1.
Variant type: Duplication.
Coding change: c.2331dup on transcript NM_000535.7 (MANE Select); coding-DNA position 2331, one base duplicated (C; older notation c.2331dupC).
Protein change: p.Phe778fs; shifts the reading frame from phenylalanine 778.
Molecular consequence: frameshift variant. On other transcripts: non-coding transcript variant (1).
Genome position (GRCh38, 1-based): chr7:5,977,702, G duplicated on the plus strand (C on the coding strand, the reverse complement: PMS2 is on the minus strand); the first of 2 consecutive G bases (chr7:5,977,702-5,977,703); duplicating either gives the same sequence. VCF-style (leftmost placement, unchanged base first): chr7-5977701-A-AG. GRCh37 (hg19) VCF-style: chr7-6017332-A-AG.
Other names: c.1925dup, p.Phe643Leufs (NM_001018040.1); c.1926dup, p.Phe643fs (NM_001322003.2, NM_001322004.2, NM_001322005.2 and 11 more transcripts); c.2175dup, p.Phe726fs (NM_001322006.2); c.2013dup, p.Phe672fs (NM_001322007.2, NM_001322008.2, NM_001406883.1); c.1959dup, p.Phe654fs (NM_001322009.2, NM_001406887.1, NM_001406888.1); c.1770dup, p.Phe591fs (NM_001322010.2, NM_001406906.1, NM_001406907.1); c.1398dup, p.Phe467fs (NM_001322011.2, NM_001322012.2); c.1758dup, p.Phe587fs (NM_001322013.2, NM_001406908.1, NM_001406909.1); and 21 more; short protein forms F377fs, F467fs, F521fs, F539fs, F587fs, F591fs, F607fs, F616fs.
Identifiers: ClinVar variation 2674214 (VCV002674214.1), dbSNP rs1781845988, ClinGen allele CA572822703.